The following is an entry in ClinVar:

NM_133433.4(NIPBL):c.5272C>T (p.Arg1758Ter)

Gene: NIPBL (NIPBL cohesin loading factor; plus strand). Cytogenetic location: 5p13.2.
Variant type: single nucleotide variant.
Coding change: c.5272C>T on transcript NM_133433.4 (MANE Select); coding-DNA position 5272, C replaced by T.
Protein change: p.Arg1758Ter; replaces arginine 1758 with a stop codon.
Molecular consequence: nonsense.
Genome position (GRCh38, 1-based): chr5:37,020,821, C>T. VCF-style: chr5-37020821-C-T. GRCh37 (hg19) VCF-style: chr5-37020923-C-T.
Other names: c.5272C>T, p.Arg1758Ter (NM_015384.5); short protein forms R1758*.
Identifiers: ClinVar variation 2572487 (VCV002572487.1), dbSNP rs587783965, ClinGen allele CA501202.

ClinVar aggregate classification (germline): Pathogenic (1 of 4 stars; one submission).

Conditions:
Cornelia de Lange syndrome 1 (CDLS1). Also called: Brachmann de Lange syndrome; NIPBL-Related Cornelia de Lange Syndrome; TYPUS DEGENERATIVUS AMSTELODAMENSIS. Identifiers: Orphanet 199, MedGen C4551851, MONDO:0007387, OMIM 122470.

Submission:

3billion
Classification: Pathogenic for Cornelia de Lange syndrome 1. Review status: criteria provided, single submitter. Criteria: ACMG Guidelines, 2015. Collection method: clinical testing. Allele origin: unknown. Affected: yes. Observed: 1 heterozygote.
Comment: The variant is not observed in the gnomAD v2.1.1 dataset. The variant is predicted to result in a loss or disruption of normal protein function through nonsense-mediated decay (NMD) or protein truncation. Multiple pathogenic variants are reported downstream of the variant. The variant has been reported to be associated with NIPBL related disorder (PMID: 15318302). Therefore, this variant is classified as Pathogenic according to the recommendation of ACMG/AMP guideline.

Literature cited by the submitters: PubMed 15318302.